The following is an entry in ClinVar:

NM_018474.6(KIZ):c.1613-1G>A

Genes: KIZ (kizuna centrosomal protein; plus strand), KIZ-AS1 (KIZ antisense RNA 1; minus strand). Cytogenetic location: 20p11.23.
Variant type: single nucleotide variant.
Coding change: c.1613-1G>A on transcript NM_018474.6 (MANE Select); the canonical splice acceptor site of the intron before coding-DNA position 1613, G replaced by A.
Molecular consequence: splice acceptor variant.
Genome position (GRCh38, 1-based): chr20:21,215,582, G>A. VCF-style: chr20-21215582-G-A. GRCh37 (hg19) VCF-style: chr20-21196220-G-A.
Other names: c.1466-1G>A (NM_001276389.2); c.1271-1G>A (NM_001352436.2); c.1559-1G>A (NM_001352434.2); c.1304-1G>A (NM_001163022.3); c.1250-1G>A (NM_001352435.2); c.1214-1G>A (NM_001163023.3).
Identifiers: ClinVar variation 1958958 (VCV001958958.5), dbSNP rs1270017793, ClinGen allele CA408491675.
Genomic context (GRCh38, chr20:21,215,582, plus strand): 5'-CCCAAAGGATCTATTCCTTAACTTTGAAATACTTTTTTTTTATTATGCATTCAATTTTTA[G>A]AAGTTTCAAGTGGCTGTGGAGACAAGAGCAAGAAAGAAAATGTGGCTGCAGATATCCCAA-3'

ClinVar aggregate classification (germline): Likely pathogenic (1 of 4 stars; one submission).

gnomAD v4.1: 3 of 1,580,692 alleles (0.00019%); highest among the groups gnomAD compares: Non-Finnish European, 0.00026%; no homozygotes.

Submission:

Labcorp Genetics (formerly Invitae), Labcorp
Classification: Likely pathogenic. Last evaluated: 2022-06-04. Review status: criteria provided, single submitter. Criteria: Invitae Variant Classification Sherloc (09022015). Collection method: clinical testing. Allele origin: germline.
Comment: This variant has not been reported in the literature in individuals affected with KIZ-related conditions. In summary, the currently available evidence indicates that the variant is pathogenic, but additional data are needed to prove that conclusively. Therefore, this variant has been classified as Likely Pathogenic. Algorithms developed to predict the effect of sequence changes on RNA splicing suggest that this variant may disrupt the consensus splice site. This variant is present in population databases (no rsID available, gnomAD 0.0009%). This sequence change affects an acceptor splice site in intron 8 of the KIZ gene. It is expected to disrupt RNA splicing. Variants that disrupt the donor or acceptor splice site typically lead to a loss of protein function (PMID: 16199547), and loss-of-function variants in KIZ are known to be pathogenic (PMID: 24680887, 29057815).

Literature cited by the submitters: PubMed 16199547; PubMed 24680887; PubMed 29057815.